The following is an entry in ClinVar:

NM_020708.5(SLC12A5):c.1432A>G (p.Thr478Ala)

Gene: SLC12A5 (solute carrier family 12 member 5; plus strand). Cytogenetic location: 20q13.12.
Variant type: single nucleotide variant.
Coding change: c.1432A>G on transcript NM_020708.5 (MANE Select); coding-DNA position 1432, A replaced by G.
Protein change: p.Thr478Ala; replaces threonine 478 with alanine.
Molecular consequence: missense variant.
Genome position (GRCh38, 1-based): chr20:46,045,003, A>G. VCF-style: chr20-46045003-A-G. GRCh37 (hg19) VCF-style: chr20-44673642-A-G.
Other names: c.1501A>G, p.Thr501Ala (NM_001134771.2); short protein forms T478A, T501A.
Identifiers: ClinVar variation 3342999 (VCV003342999.1).

ClinVar aggregate classification (germline): Uncertain significance (1 of 4 stars; one submission).

Submission:

GeneDx
Classification: Uncertain significance. Last evaluated: 2023-04-11. Review status: criteria provided, single submitter. Criteria: GeneDx Variant Classification Process June 2021. Collection method: clinical testing. Allele origin: germline. Affected: yes.
Comment: Not observed at significant frequency in large population cohorts (gnomAD); In silico analysis supports that this missense variant does not alter protein structure/function; Has not been previously published as pathogenic or benign to our knowledge